The following is an entry in ClinVar:

ClinVar aggregate classification (germline): Uncertain significance (1 of 4 stars; one submission).

Conditions:
PCSK1-related disorder. Also called: PCSK1-related condition.

gnomAD v4.1: 13 of 1,613,978 alleles (0.00081%); highest among the groups gnomAD compares: African/African-American, 0.0013%; no homozygotes.

Submission:

PreventionGenetics, part of Exact Sciences
Classification: Uncertain significance for PCSK1-related condition. Last evaluated: 2025-10-31. Review status: criteria provided, single submitter. Criteria: ACMG Guidelines, 2015. Collection method: clinical testing. Allele origin: germline.
Comment: The PCSK1 c.409A>C variant is predicted to result in the amino acid substitution p.Met137Leu. To our knowledge, this variant has not been reported in the literature or in a large population database (gnomAD), indicating this variant is rare. At this time, the clinical significance of this variant is uncertain due to the absence of conclusive functional and genetic evidence.

NM_000439.5(PCSK1):c.409A>C (p.Met137Leu)

Genes: CAST (calpastatin; plus strand), PCSK1 (proprotein convertase subtilisin/kexin type 1; minus strand), LOC101929710 (uncharacterized LOC101929710; plus strand). Cytogenetic location: 5q15.
Variant type: single nucleotide variant.
Coding change: c.409A>C on transcript NM_000439.5 (MANE Select); coding-DNA position 409, A replaced by C.
Protein change: p.Met137Leu; replaces methionine 137 with leucine.
Molecular consequence: missense variant. On other transcripts: intron variant (11).
Genome position (GRCh38, 1-based): chr5:96,423,447, T>G on the plus strand (A>C on the coding strand, the complement: PCSK1 is on the minus strand). VCF-style: chr5-96423447-T-G. GRCh37 (hg19) VCF-style: chr5-95759151-T-G.
Other names: c.268A>C, p.Met90Leu (NM_001177875.2); c.-175+43795T>G (NM_001423254.1, NM_001423259.1, NM_001423255.1 and 6 more transcripts); c.-103+43795T>G (NM_001423253.1); c.-40+43795T>G (NM_001423258.1); short protein forms M90L, M137L.
Identifiers: ClinVar variation 4993420 (VCV004993420.1).